The following is an entry in ClinVar:

ClinVar aggregate classification (germline): Uncertain significance (1 of 4 stars; one submission).

Submission:

CeGaT Center for Human Genetics Tuebingen
Classification: Uncertain significance. Last evaluated: 2024-04-01. Review status: criteria provided, single submitter. Criteria: CeGaT Center For Human Genetics Tuebingen Variant Classification Criteria Version 2. Collection method: clinical testing. Allele origin: germline. Affected: yes. Observed: 1 variant allele.
Comment: POLR2A: PM2, PP2

NM_000937.5(POLR2A):c.5756C>T (p.Thr1919Ile)

Gene: POLR2A (RNA polymerase II subunit A; plus strand). Cytogenetic location: 17p13.1.
Variant type: single nucleotide variant.
Coding change: c.5756C>T on transcript NM_000937.5 (MANE Select); coding-DNA position 5756, C replaced by T.
Protein change: p.Thr1919Ile; replaces threonine 1919 with isoleucine.
Molecular consequence: missense variant.
Genome position (GRCh38, 1-based): chr17:7,514,022, C>T. VCF-style: chr17-7514022-C-T. GRCh37 (hg19) VCF-style: chr17-7417339-C-T.
Other names: short protein forms T1919I.
Identifiers: ClinVar variation 3234820 (VCV003234820.20), dbSNP rs2508206646, ClinGen allele CA397839559.
Genomic context (GRCh38, chr17:7,514,022, plus strand): 5'-CTCCAGTCTACACCCCAACCTCTCCCAAGTACTCACCTACTAGCCCCACTTACTCGCCCA[C>T]TTCCCCCAAGTACTCGCCCACCAGCCCCACCTACTCGCCCACCTCCCCCAAAGGCTCAAC-3'
Protein context (NP_000928.1, residues 1909-1929): YSPTSPTYSP[Thr1919Ile]SPKYSPTSPT